The following is an entry in ClinVar:

ClinVar aggregate classification (germline): Uncertain significance (1 of 4 stars; one submission).

Submission:

GeneDx
Classification: Uncertain significance. Last evaluated: 2025-06-16. Review status: criteria provided, single submitter. Criteria: GeneDx Variant Classification Process June 2021. Collection method: clinical testing. Allele origin: germline. Affected: yes.
Comment: Not observed at significant frequency in large population cohorts (gnomAD); Has not been previously published as pathogenic or benign to our knowledge; In silico analysis suggests this variant may impact gene splicing. In the absence of RNA/functional studies, the actual effect of this sequence change is unknown.

NM_000088.4(COL1A1):c.3370-13_3370-12delinsTTAG

Gene: COL1A1 (collagen type I alpha 1 chain; minus strand). Cytogenetic location: 17q21.33.
Variant type: Indel.
Coding change: c.3370-13_3370-12delinsTTAG on transcript NM_000088.4 (MANE Select); 13 bases into the intron before coding-DNA position 3370 through 12 bases into the intron before coding-DNA position 3370, AT replaced by TTAG.
Molecular consequence: intron variant.
Genome position (GRCh38, 1-based): chr17:50,187,549-50,187,550, AT replaced by CTAA on the plus strand (AT replaced by TTAG on the coding strand, the reverse complement: COL1A1 is on the minus strand). VCF-style: chr17-50187549-AT-CTAA. GRCh37 (hg19) VCF-style: chr17-48264910-AT-CTAA.
Identifiers: ClinVar variation 4538859 (VCV004538859.1).